The following is an entry in ClinVar:

ClinVar aggregate classification (germline): Uncertain significance (1 of 4 stars; one submission).

Conditions:
Hereditary cancer-predisposing syndrome. Also called: Neoplastic Syndromes, Hereditary; Tumor predisposition; Hereditary Cancer Syndrome; Hereditary neoplastic syndrome. Identifiers: Orphanet 140162, MedGen C0027672, MeSH D009386, MONDO:0015356.

Submission:

Ambry Genetics
Classification: Uncertain significance for Hereditary cancer-predisposing syndrome. Last evaluated: 2025-11-02. Review status: criteria provided, single submitter. Criteria: Ambry Variant Classification Scheme 2023. Collection method: clinical testing. Allele origin: germline.
Comment: The p.K458R variant (also known as c.1373A>G), located in coding exon 11 of the CHEK2 gene, results from an A to G substitution at nucleotide position 1373. The lysine at codon 458 is replaced by arginine, an amino acid with highly similar properties. This amino acid position is conserved. In addition, this alteration is predicted to be tolerated by in silico analysis. Based on the available evidence, the clinical significance of this variant remains unclear.

NM_007194.4(CHEK2):c.1373A>G (p.Lys458Arg)

Gene: CHEK2 (checkpoint kinase 2; minus strand). Cytogenetic location: 22q12.1.
Variant type: single nucleotide variant.
Coding change: c.1373A>G on transcript NM_007194.4 (MANE Select); coding-DNA position 1373, A replaced by G.
Protein change: p.Lys458Arg; replaces lysine 458 with arginine.
Molecular consequence: missense variant.
Genome position (GRCh38, 1-based): chr22:28,695,129, T>C on the plus strand (A>G on the coding strand, the complement: CHEK2 is on the minus strand). VCF-style: chr22-28695129-T-C. GRCh37 (hg19) VCF-style: chr22-29091117-T-C.
Other names: c.1502A>G, p.Lys501Arg (NM_001005735.3); c.710A>G, p.Lys237Arg (NM_001257387.3, NM_001437942.1); c.1172A>G, p.Lys391Arg (NM_001349956.3); c.1466A>G, p.Lys489Arg (NM_001438293.1); c.1415A>G, p.Lys472Arg (NM_001438294.1); c.1379A>G, p.Lys460Arg (NM_001438295.1); c.1286A>G, p.Lys429Arg (NM_145862.3); short protein forms K458R, K391R, K237R, K460R, K472R, K489R, K501R, K429R.
Identifiers: ClinVar variation 4634888 (VCV004634888.1).